The following is an entry in ClinVar:

ClinVar aggregate classification (germline): Pathogenic (1 of 4 stars; one submission).

Conditions:
46,XY sex reversal 2. Also called: NR0B1-Related 46,XY CGD; NR0B1-related 46,XY complete gonadal dysgenesis; Dosage-sensitive sex reversal; 46XY sex reversal 2, dosage-sensitive; 46,XY SEX REVERSAL, DAX1-RELATED. Identifiers: MedGen C1848296, MONDO:0010226, OMIM 300018.
Congenital adrenal hypoplasia, X-linked (AHC). Also called: X-linked AHC; X-Linked Adrenal Hypoplasia Congenita; ADRENAL HYPOPLASIA, CONGENITAL, WITH HYPOGONADOTROPIC HYPOGONADISM; Isolated X-Linked Adrenal Hypoplasia Congenita. Identifiers: Orphanet 95702, MedGen C0342482, MONDO:0010264, OMIM 300200. Disease mechanism: loss of function.

Submission:

Labcorp Genetics (formerly Invitae), Labcorp
Classification: Pathogenic for Congenital adrenal hypoplasia, X-linked; 46,XY sex reversal 2. Last evaluated: 2022-09-02. Review status: criteria provided, single submitter. Criteria: Invitae Variant Classification Sherloc (09022015). Collection method: clinical testing. Allele origin: germline.
Comment: A copy number gain of the genomic region encompassing the full coding sequence of the NR0B1 gene has been identified. The boundaries of this event are unknown as they extend beyond the assayed region for this gene and therefore may encompass additional genes. As the precise location of this event is unknown, it may be in tandem or it may be located elsewhere in the genome. A similar copy number variant has been observed in individuals with NR0B1-related conditions (PMID: 17504899, 20685758, 21408189, 26980296). For these reasons, this variant has been classified as Pathogenic.

Literature cited by the submitters: PubMed 17504899; PubMed 20685758; PubMed 21408189; PubMed 26980296.

NC_000023.10:g.(?_28807461)_(33229429_?)dup

Genes: DMD (dystrophin; minus strand), FTHL17 (ferritin heavy chain like 17; minus strand), GK (glycerol kinase; plus strand), IL1RAPL1 (interleukin 1 receptor accessory protein like 1; plus strand), MAGEB1 (MAGE family member B1; plus strand) and 6 more. Cytogenetic location: Xp21.3-21.1.
Variant type: Duplication.
Identifiers: ClinVar variation 2423143 (VCV002423143.2).